The following is an entry in ClinVar:

ClinVar aggregate classification (germline): Likely benign. Review status: criteria provided, multiple submitters, no conflicts (2 of 4 stars). 2 submissions from 2 submitters: Likely benign (2). Last evaluated 2025-03-17.

Conditions:
PDE6A-related disorder. Also called: PDE6A-related condition.

Submissions (2):

PreventionGenetics, part of Exact Sciences
Classification: Likely benign for PDE6A-related condition. Last evaluated: 2025-03-17. Review status: criteria provided, single submitter. Criteria: ACMG Guidelines, 2015. Collection method: clinical testing. Allele origin: germline.
Comment: This variant is classified as likely benign based on ACMG/AMP sequence variant interpretation guidelines (Richards et al. 2015 PMID: 25741868, with internal and published modifications).

CeGaT Center for Human Genetics Tuebingen
Classification: Likely benign. Last evaluated: 2023-02-01. Review status: criteria provided, single submitter. Criteria: CeGaT Center For Human Genetics Tuebingen Variant Classification Criteria Version 2. Collection method: clinical testing. Allele origin: germline. Affected: yes. Observed: 1 variant allele.
Comment: PDE6A: PM2:Supporting, BP4, BP7

NM_000440.3(PDE6A):c.114G>C (p.Gly38=)

Gene: PDE6A (phosphodiesterase 6A; minus strand). Cytogenetic location: 5q32.
Variant type: single nucleotide variant.
Coding change: c.114G>C on transcript NM_000440.3 (MANE Select); coding-DNA position 114, G replaced by C.
Protein change: p.Gly38=; no amino-acid change (glycine 38 retained).
Molecular consequence: synonymous variant.
Genome position (GRCh38, 1-based): chr5:149,944,560, C>G on the plus strand (G>C on the coding strand, the complement: PDE6A is on the minus strand). VCF-style: chr5-149944560-C-G. GRCh37 (hg19) VCF-style: chr5-149324123-C-G.
Other names: c.114G>C, p.Gly38= (NM_001410788.1); c.114G>C (NM_000440.2).
Identifiers: ClinVar variation 2655900 (VCV002655900.25), dbSNP rs536174893, ClinGen allele CA447401468.
Genomic context (GRCh38, chr5:149,944,560, plus strand): 5'-GCTCTCCTCCATGCTGCTCGGGGAGTGGTAGTTGCTGAAGTCCACGGCAGCCTCCTTGGC[C>G]CCAAGGAGGTCGGAGATGAGCTTGGCCCGGTAGTGGAGGTTGTAGTACTGTTTGGCAAAG-3'
Protein context (NP_000431.2, residues 28-48): YRAKLISDLL[Gly38=]AKEAAVDFSN